The following is an entry in ClinVar:

ClinVar aggregate classification (germline): Uncertain significance. Review status: criteria provided, multiple submitters, no conflicts (2 of 4 stars). 7 submissions from 7 submitters: Uncertain significance (7). Last evaluated 2026-01-11.

Conditions:
Hereditary cancer-predisposing syndrome. Also called: Tumor predisposition; Hereditary Cancer Syndrome; Neoplastic Syndromes, Hereditary; Hereditary neoplastic syndrome. Identifiers: Orphanet 140162, MedGen C0027672, MeSH D009386, MONDO:0015356.
Familial cancer of breast. Also called: BREAST CANCER, FAMILIAL; Hereditary breast cancer; hereditary breast carcinoma. Identifiers: Orphanet 227535, MedGen C0346153, MONDO:0016419, OMIM 114480. Disease mechanism: loss of function.
Ataxia-telangiectasia syndrome (AT). Also called: LOUIS-BAR SYNDROME; Cerebello-oculocutaneous telangiectasia; Immunodeficiency with ataxia telangiectasia; ATAXIA-TELANGIECTASIA, COMPLEMENTATION GROUP A; ATAXIA-TELANGIECTASIA, FRESNO VARIANT; Ataxia-telangiectasia. Identifiers: Orphanet 100, MedGen C0004135, MONDO:0008840, OMIM 208900.

Allele frequency attached by ClinVar (database versions not stated): gnomAD exomes 0.00001.
gnomAD v4.1: 5 of 1,613,762 alleles (0.00031%); highest among the groups gnomAD compares: Non-Finnish European, 0.00042%; no homozygotes.

Submissions (7):

Labcorp Genetics (formerly Invitae), Labcorp
Classification: Uncertain significance for Ataxia-telangiectasia syndrome. Last evaluated: 2026-01-11. Review status: criteria provided, single submitter. Criteria: Invitae Variant Classification Sherloc (09022015). Collection method: clinical testing. Allele origin: germline.
Comment: This sequence change replaces leucine, which is neutral and non-polar, with valine, which is neutral and non-polar, at codon 1111 of the ATM protein (p.Leu1111Val). This variant is present in population databases (rs587779832, gnomAD 0.002%). This missense change has been observed in individual(s) with prostate cancer (PMID: 33436325). ClinVar contains an entry for this variant (Variation ID: 127369). Invitae Evidence Modeling of protein sequence and biophysical properties (such as structural, functional, and spatial information, amino acid conservation, physicochemical variation, residue mobility, and thermodynamic stability) indicates that this missense variant is not expected to disrupt ATM protein function with a negative predictive value of 95%. In summary, the available evidence is currently insufficient to determine the role of this variant in disease. Therefore, it has been classified as a Variant of Uncertain Significance.

Color Diagnostics, LLC DBA Color Health
Classification: Uncertain significance for Hereditary cancer-predisposing syndrome. Last evaluated: 2025-12-10. Review status: criteria provided, single submitter. Criteria: ACMG Guidelines, 2015. Collection method: clinical testing. Allele origin: germline.
Comment: This missense variant replaces leucine with valine at codon 1111 of the ATM protein. Computational prediction suggests that this variant may not impact protein structure and function. To our knowledge, functional studies have not been reported for this variant. This variant has been reported in an individual affected with prostate cancer (PMID: 31159747) and in an individual with a personal and/or family history of breast and/or ovarian cancer (PMID: 33436325). This variant has been identified in 5/1613762 chromosomes in the general population by the Genome Aggregation Database (gnomAD). The available evidence is insufficient to determine the role of this variant in disease conclusively. Therefore, this variant is classified as a Variant of Uncertain Significance.

Ambry Genetics
Classification: Uncertain significance for Hereditary cancer-predisposing syndrome. Last evaluated: 2024-09-06. Review status: criteria provided, single submitter. Criteria: Ambry Variant Classification Scheme 2023. Collection method: clinical testing. Allele origin: germline.
Comment: The p.L1111V variant (also known as c.3331C>G), located in coding exon 22 of the ATM gene, results from a C to G substitution at nucleotide position 3331. The leucine at codon 1111 is replaced by valine, an amino acid with highly similar properties. This alteration was reported in a cohort of 1197 individuals from Greece, Romania, and Turkey referred for multi-gene panel testing for hereditary cancer risk (Tsaousis GN et al. BMC Cancer. 2019 Jun;19:535). This variant was also reported in 1/5560 prostate cancer cases and in 0/3353 controls of European ancestry (Karlsson Q et al. Eur Urol Oncol, 2021 Aug;4:570-579). This amino acid position is highly conserved in available vertebrate species. In addition, this alteration is predicted to be tolerated by in silico analysis. Based on the available evidence, the clinical significance of this variant remains unclear.

Institute of Human Genetics, University of Leipzig Medical Center
Classification: Uncertain significance for Familial cancer of breast. Last evaluated: 2019-01-01. Review status: criteria provided, single submitter. Criteria: ACMG Guidelines, 2015. Collection method: clinical testing. Allele origin: unknown. Affected: yes.

GeneKor MSA
Classification: Uncertain significance for Hereditary cancer-predisposing syndrome. Last evaluated: 2018-08-01. Review status: criteria provided, single submitter. Criteria: ACMG Guidelines, 2015. Collection method: clinical testing. Allele origin: germline. Affected: yes.

Women's Health and Genetics/Laboratory Corporation of America, LabCorp
Classification: Uncertain significance. Last evaluated: 2016-08-01. Review status: criteria provided, single submitter. Criteria: LabCorp Variant Classification Summary - May 2015. Collection method: clinical testing. Allele origin: germline.
Comment: Variant summary: The ATM c.3331C>G (p.Leu1111Val) variant involves the alteration of a conserved nucleotide. 3/4 in silico tools predict a benign outcome for this substitution. This variant is absent in 115192 control chromosomes. The variant of interest has not, to our knowledge, been reported in affected individuals via publications; nor evaluated for functional impact by in vivo/vitro studies. Multiple clinical diagnostic laboratories/reputable databases classified this variant as Uncertain. Because of the absence of clinical information and the lack of functional studies, the variant was classified as a variant of uncertain significance (VUS) until additional information becomes available.

GeneDx
Classification: Uncertain significance. Last evaluated: 2016-05-09. Review status: criteria provided, single submitter. Criteria: GeneDx Variant Classification (06012015). Collection method: clinical testing. Allele origin: germline. Affected: yes.
Comment: This variant is denoted ATM c.3331C>G at the cDNA level, p.Leu1111Val (L1111V) at the protein level, and results in the change of a Leucine to a Valine (CTT>GTT). This variant has not, to our knowledge, been published in the literature as pathogenic or benign. ATM Leu1111Val was not observed in approximately 6,500 individuals of European and African American ancestry in the NHLBI Exome Sequencing Project, suggesting it is not a common benign variant in these populations. Since Leucine and Valine share similar properties, this is considered a conservative amino acid substitution. ATM Leu1111Val occurs at a position where amino acids with properties similar to Leucine are tolerated across species and is located in the beta-adaptin interaction domain (Tavtigian 2009). In silico analyses are inconsistent regarding the effect this variant may have on protein structure and function. Based on currently available evidence, it is unclear whether ATM Leu1111Val is a pathogenic or benign variant. We consider it to be a variant of uncertain significance.

Literature cited by the submitters: PubMed 33436325 (cited by 3 submitters); PubMed 31159747 (cited by Color Diagnostics, LLC DBA Color Health and Ambry Genetics).

NM_000051.4(ATM):c.3331C>G (p.Leu1111Val)

Gene: ATM (ATM serine/threonine kinase; plus strand). Cytogenetic location: 11q22.3.
Variant type: single nucleotide variant.
Coding change: c.3331C>G on transcript NM_000051.4 (MANE Select); coding-DNA position 3331, C replaced by G.
Protein change: p.Leu1111Val; replaces leucine 1111 with valine.
Molecular consequence: missense variant.
Genome position (GRCh38, 1-based): chr11:108,279,537, C>G. VCF-style: chr11-108279537-C-G. GRCh37 (hg19) VCF-style: chr11-108150264-C-G.
Other names: p.L1111V:CTT>GTT; c.3331C>G, p.Leu1111Val (NM_001351834.2); short protein forms L1111V.
Identifiers: ClinVar variation 127369 (VCV000127369.26), dbSNP rs587779832, ClinGen allele CA286803.
Genomic context (GRCh38, chr11:108,279,537, plus strand): 5'-TTGCTTGTTTTAAGATTGTTCCAGGACACGAAGGGAGATTCTTCCAGGTTACTGAAAGCA[C>G]TTCCTTTGAAGCTTCAGCAAACAGCTTTTGAAAATGCATACTTGAAAGCTCAGGAAGGAA-3'
Protein context (NP_000042.3, residues 1101-1121): KGDSSRLLKA[Leu1111Val]PLKLQQTAFE